The following is an entry in ClinVar:

NM_000217.3(KCNA1):c.676A>G (p.Thr226Ala)

Gene: KCNA1 (potassium voltage-gated channel subfamily A member 1; plus strand). Cytogenetic location: 12p13.32.
Variant type: single nucleotide variant.
Coding change: c.676A>G on transcript NM_000217.3 (MANE Select); coding-DNA position 676, A replaced by G.
Protein change: p.Thr226Ala; replaces threonine 226 with alanine.
Molecular consequence: missense variant.
Genome position (GRCh38, 1-based): chr12:4,912,054, A>G. VCF-style: chr12-4912054-A-G. GRCh37 (hg19) VCF-style: chr12-5021220-A-G.
Other names: short protein forms T226A.
Identifiers: ClinVar variation 13486 (VCV000013486.32), dbSNP rs104894354, ClinGen allele CA341287.
Genomic context (GRCh38, chr12:4,912,054, plus strand): 5'-GACAACACCACGGTCATCTACAATTCCAACATCTTCACAGACCCCTTCTTCATCGTGGAA[A>G]CGCTGTGTATCATCTGGTTCTCCTTCGAGCTGGTGGTGCGCTTCTTCGCCTGCCCCAGCA-3'
Protein context (NP_000208.2, residues 216-236): IFTDPFFIVE[Thr226Ala]LCIIWFSFEL

ClinVar aggregate classification (germline): Pathogenic. Review status: criteria provided, single submitter (1 of 4 stars). 3 submissions from 3 submitters: Pathogenic (1). 2 of the submissions do not count toward it. Last evaluated 2023-08-01.

Conditions:
Episodic ataxia type 1 (EA1). Also called: MYOKYMIA WITH PERIODIC ATAXIA; PAROXYSMAL ATAXIA WITH NEUROMYOTONIA, HEREDITARY; ATAXIA, EPISODIC, WITH MYOKYMIA; Episodic ataxia/myokymia syndrome. Identifiers: Orphanet 37612, Orphanet 972, MedGen C1719788, MONDO:0008047, OMIM 160120.

Submissions (3):

CeGaT Center for Human Genetics Tuebingen
Classification: Pathogenic. Last evaluated: 2023-08-01. Review status: criteria provided, single submitter. Criteria: CeGaT Center For Human Genetics Tuebingen Variant Classification Criteria Version 2. Collection method: clinical testing. Allele origin: germline. Affected: yes. Observed: 5 variant alleles.
Comment: KCNA1: PP1:Strong, PM1, PM2, PM5, PP2, PP3, PS3:Supporting, PS4:Supporting

OMIM
Classification: Pathogenic for EPISODIC ATAXIA, TYPE 1. Last evaluated: 1998-04-01. Review status: no assertion criteria provided. Collection method: literature only. Allele origin: germline. Not counted in ClinVar's aggregate classification.

GeneReviews
No classification provided. Condition: Episodic ataxia type 1. Review status: no classification provided. Collection method: literature only. Allele origin: unknown. Not counted in ClinVar's aggregate classification.

Literature cited by the submitters: PubMed 9600245 (cited by OMIM); PubMed 20301785 (cited by GeneReviews); NCBI Bookshelf NBK25442 (cited by GeneReviews).